The following is an entry in ClinVar:

ClinVar aggregate classification (germline): Uncertain significance. Review status: criteria provided, multiple submitters, no conflicts (2 of 4 stars). 2 submissions from 2 submitters: Uncertain significance (2). Last evaluated 2025-08-19.

Conditions:
PDE1C-related disorder. Also called: PDE1C-related condition.

Submissions (2):

Ambry Genetics
Classification: Uncertain significance. Last evaluated: 2025-08-19. Review status: criteria provided, single submitter. Criteria: Ambry Variant Classification Scheme 2023. Collection method: clinical testing. Allele origin: germline.

PreventionGenetics, part of Exact Sciences
Classification: Uncertain significance for PDE1C-related condition. Last evaluated: 2025-06-02. Review status: criteria provided, single submitter. Criteria: ACMG Guidelines, 2015. Collection method: clinical testing. Allele origin: germline.
Comment: The PDE1C c.1625G>A variant is predicted to result in the amino acid substitution p.Gly542Asp. To our knowledge, this variant has not been reported in the literature. This variant is reported in 0.0059% of alleles in individuals of Latino descent in gnomAD. At this time, the clinical significance of this variant is uncertain due to the absence of conclusive functional and genetic evidence.

NM_001191057.4(PDE1C):c.1445G>A (p.Gly482Asp)

Gene: PDE1C (phosphodiesterase 1C; minus strand). Cytogenetic location: 7p14.3.
Variant type: single nucleotide variant.
Coding change: c.1445G>A on transcript NM_001191057.4 (MANE Select); coding-DNA position 1445, G replaced by A.
Protein change: p.Gly482Asp; replaces glycine 482 with aspartic acid.
Molecular consequence: missense variant.
Genome position (GRCh38, 1-based): chr7:31,823,210, C>T on the plus strand (G>A on the coding strand, the complement: PDE1C is on the minus strand). VCF-style: chr7-31823210-C-T. GRCh37 (hg19) VCF-style: chr7-31862824-C-T.
Other names: c.1445G>A, p.Gly482Asp (NM_001191056.3, NM_001191059.4, NM_001322055.2 and 3 more transcripts); c.1625G>A, p.Gly542Asp (NM_001191058.4, NM_001322058.2); c.1850G>A, p.Gly617Asp (NM_001322059.2); c.1625G>A (NM_001191058.3); short protein forms G617D, G482D, G542D.
Identifiers: ClinVar variation 4133742 (VCV004133742.2).